The following is an entry in ClinVar:

NM_006267.5(RANBP2):c.7670A>G (p.Asn2557Ser)

Gene: RANBP2 (RAN binding protein 2; plus strand). Cytogenetic location: 2q13.
Variant type: single nucleotide variant.
Coding change: c.7670A>G on transcript NM_006267.5 (MANE Select); coding-DNA position 7670, A replaced by G.
Protein change: p.Asn2557Ser; replaces asparagine 2557 with serine.
Molecular consequence: missense variant.
Genome position (GRCh38, 1-based): chr2:108,768,209, A>G. VCF-style: chr2-108768209-A-G. GRCh37 (hg19) VCF-style: chr2-109384665-A-G.
Other names: short protein forms N2557S.
Identifiers: ClinVar variation 537234 (VCV000537234.31), dbSNP rs145613015, ClinGen allele CA1823635.

ClinVar aggregate classification (germline): Benign/Likely benign. Review status: criteria provided, multiple submitters, no conflicts (2 of 4 stars). 3 submissions from 3 submitters: Benign (2); Likely benign (1). Last evaluated 2025-12-30.

Conditions:
Familial acute necrotizing encephalopathy (IIAE3). Also called: Susceptibility to Acute Necrotizing Encephalopathy 1; ENCEPHALOPATHY, ACUTE, INFECTION-INDUCED, SUSCEPTIBILITY TO, 3. Identifiers: Orphanet 88619, MedGen C2675556, MONDO:0011953, OMIM 608033.

Allele frequency attached by ClinVar (database versions not stated): gnomAD exomes 0.00018 and 0.00055; ExAC 0.00072; gnomAD 0.00184 and 0.00194; TOPMed 0.00187; 1000 Genomes Project 0.00200; ESP Exome Variant Server 0.00208; 1000 Genomes Project 30x 0.00219.

Submissions (3):

Labcorp Genetics (formerly Invitae), Labcorp
Classification: Benign for Familial acute necrotizing encephalopathy. Last evaluated: 2025-12-30. Review status: criteria provided, single submitter. Criteria: Invitae Variant Classification Sherloc (09022015). Collection method: clinical testing. Allele origin: germline.

Blueprint Genetics
Classification: Likely benign. Last evaluated: 2024-11-12. Review status: criteria provided, single submitter. Criteria: ACMG Guidelines, 2015. Collection method: clinical testing. Allele origin: germline.

CeGaT Center for Human Genetics Tuebingen
Classification: Benign. Last evaluated: 2024-07-01. Review status: criteria provided, single submitter. Criteria: CeGaT Center For Human Genetics Tuebingen Variant Classification Criteria Version 2. Collection method: clinical testing. Allele origin: germline. Affected: yes. Observed: 1 variant allele.
Comment: RANBP2: BP4, BS1, BS2